The following is an entry in ClinVar:

NM_021961.6(TEAD1):c.631A>G (p.Ile211Val)

Gene: TEAD1 (TEA domain transcription factor 1; plus strand). Cytogenetic location: 11p15.3.
Variant type: single nucleotide variant.
Coding change: c.631A>G on transcript NM_021961.6 (MANE Select); coding-DNA position 631, A replaced by G.
Protein change: p.Ile211Val; replaces isoleucine 211 with valine.
Molecular consequence: missense variant.
Genome position (GRCh38, 1-based): chr11:12,883,057, A>G. VCF-style: chr11-12883057-A-G. GRCh37 (hg19) VCF-style: chr11-12904604-A-G.
Other names: short protein forms I211V.
Identifiers: ClinVar variation 1061877 (VCV001061877.9), dbSNP rs1948003061, ClinGen allele CA379712835.

ClinVar aggregate classification (germline): Uncertain significance (1 of 4 stars; one submission).

Allele frequency attached by ClinVar (database versions not stated): gnomAD exomes below 0.00001; TOPMed below 0.00001.
gnomAD v4.1: 1 of 1,614,148 alleles (0.000062%); highest among the groups gnomAD compares: Non-Finnish European, 0.000085%; no homozygotes.

Submission:

Labcorp Genetics (formerly Invitae), Labcorp
Classification: Uncertain significance. Last evaluated: 2020-03-27. Review status: criteria provided, single submitter. Criteria: Invitae Variant Classification Sherloc (09022015). Collection method: clinical testing. Allele origin: germline.
Comment: This sequence change replaces isoleucine with valine at codon 211 of the TEAD1 protein (p.Ile211Val). The isoleucine residue is highly conserved and there is a small physicochemical difference between isoleucine and valine. In summary, the available evidence is currently insufficient to determine the role of this variant in disease. Therefore, it has been classified as a Variant of Uncertain Significance. Algorithms developed to predict the effect of missense changes on protein structure and function are either unavailable or do not agree on the potential impact of this missense change (SIFT: "Deleterious"; PolyPhen-2: "Benign"; Align-GVGD: "Class C25"). This variant has not been reported in the literature in individuals with TEAD1-related conditions. This variant is not present in population databases (ExAC no frequency).